The following is an entry in ClinVar:

ClinVar aggregate classification (germline): Conflicting classifications of pathogenicity. Review status: criteria provided, conflicting classifications (1 of 4 stars). 4 submissions from 4 submitters: Likely pathogenic (3); Uncertain significance (1). Last evaluated 2024-11-04.

Conditions:
Cardiomyopathy (CMYO). Also called: Cardiomyopathies. Identifiers: Orphanet 167848, MedGen C0878544, MONDO:0004994, HP:0001638. Inheritance: Various modes of inheritance.
Hypertrophic cardiomyopathy. Also called: HYPERTROPHIC MYOCARDIOPATHY. Identifiers: Orphanet 217569, MedGen C0007194, MeSH D002312, MONDO:0005045, HP:0001639.

gnomAD v4.1: 1 of 1,527,030 alleles (0.000065%); no homozygotes.

Submissions (4):

Labcorp Genetics (formerly Invitae), Labcorp
Classification: Uncertain significance for Hypertrophic cardiomyopathy. Last evaluated: 2024-11-04. Review status: criteria provided, single submitter. Criteria: Invitae Variant Classification Sherloc (09022015). Collection method: clinical testing. Allele origin: germline.
Comment: This sequence change falls in intron 27 of the MYBPC3 gene. It does not directly change the encoded amino acid sequence of the MYBPC3 protein. It affects a nucleotide within the consensus splice site. This variant is not present in population databases (gnomAD no frequency). This variant has been observed in individual(s) with hypertrophic cardiomyopathy (PMID: 25351510, 37652022). ClinVar contains an entry for this variant (Variation ID: 42668). Variants that disrupt the consensus splice site are a relatively common cause of aberrant splicing (PMID: 17576681, 9536098). Algorithms developed to predict the effect of sequence changes on RNA splicing suggest that this variant may disrupt the consensus splice site. In summary, the available evidence is currently insufficient to determine the role of this variant in disease. Therefore, it has been classified as a Variant of Uncertain Significance.

GeneDx
Classification: Likely pathogenic. Last evaluated: 2022-10-04. Review status: criteria provided, single submitter. Criteria: GeneDx Variant Classification Process June 2021. Collection method: clinical testing. Allele origin: germline. Affected: yes.
Comment: Observed in individuals with HCM referred for genetic testing at GeneDx and in published literature (Lopes et al., 2015; Ito et al., 2017); Not observed at significant frequency in large population cohorts (gnomAD); Canonical splice site variant expected to result in aberrant splicing and confirmed via minigene assay in the published literature (Ito et al., 2017); This variant is associated with the following publications: (PMID: 28679633, 25351510)

Laboratory for Molecular Medicine, Mass General Brigham Personalized Medicine
Classification: Likely pathogenic for Hypertrophic cardiomyopathy. Last evaluated: 2022-06-20. Review status: criteria provided, single submitter. Criteria: ACMG Guidelines, 2015. Collection method: clinical testing. Allele origin: germline. Inheritance: Autosomal dominant inheritance.
Comment: The c.2905+5G>T variant in MYBPC3 has been identified in at least 6 individuals with HCM (Lopes 2015 PMID: 25351510, GeneDx personal communication, LMM data and personal communication from referring physician). It has also been reported by other clinical laboratories in ClinVar (Variation ID #42668) and was absent from large population studies. An in vitro minigene assay using transfected cultured cells provides evidence that this variant likely results in abnormal splicing (Ito 2017 PMID: 28679633). Computational splicing tools are also consistent with pathogenicity. In summary, although additional studies are required to fully establish its clinical significance, this variant meets criteria to be classified as likely pathogenic for autosomal dominant hypertrophic cardiomyopathy. ACMG/AMP Criteria applied: PM2_Supporting, PS4_Moderate, PP3, PS3_Moderate.

CHEO Genetics Diagnostic Laboratory, Children's Hospital of Eastern Ontario
Classification: Likely pathogenic for Cardiomyopathy. Last evaluated: 2019-12-02. Review status: criteria provided, single submitter. Criteria: ACMG Guidelines, 2015. Collection method: clinical testing. Allele origin: germline. Study: Canadian Open Genetics Repository.

Literature cited by the submitters: PubMed 25351510 (cited by Labcorp Genetics (formerly Invitae), Labcorp and Laboratory for Molecular Medicine, Mass General Brigham Personalized Medicine); PubMed 37652022 (cited by Labcorp Genetics (formerly Invitae), Labcorp); PubMed 17576681 (cited by Labcorp Genetics (formerly Invitae), Labcorp); PubMed 9536098 (cited by Labcorp Genetics (formerly Invitae), Labcorp); PubMed 28679633 (cited by Laboratory for Molecular Medicine, Mass General Brigham Personalized Medicine).

NM_000256.3(MYBPC3):c.2905+5G>T

Gene: MYBPC3 (myosin binding protein C3; minus strand). Cytogenetic location: 11p11.2.
Variant type: single nucleotide variant.
Coding change: c.2905+5G>T on transcript NM_000256.3 (MANE Select); 5 bases into the intron after coding-DNA position 2905, G replaced by T.
Molecular consequence: intron variant.
Genome position (GRCh38, 1-based): chr11:47,335,037, C>A on the plus strand (G>T on the coding strand, the complement: MYBPC3 is on the minus strand). VCF-style: chr11-47335037-C-A. GRCh37 (hg19) VCF-style: chr11-47356588-C-A.
Identifiers: ClinVar variation 42668 (VCV000042668.15), dbSNP rs193922381, ClinGen allele CA013150.